The following is an entry in ClinVar:

ClinVar aggregate classification (germline): Uncertain significance (1 of 4 stars; one submission).

Conditions:
Inborn genetic diseases. Identifiers: MedGen C0950123, MeSH D030342.

Submission:

Ambry Genetics
Classification: Uncertain significance for Inborn genetic diseases. Last evaluated: 2024-05-31. Review status: criteria provided, single submitter. Criteria: Ambry Variant Classification Scheme 2023. Collection method: clinical testing. Allele origin: germline.
Comment: The p.E50A variant (also known as c.149A>C), located in coding exon 2 of the RAD51 gene, results from an A to C substitution at nucleotide position 149. The glutamic acid at codon 50 is replaced by alanine, an amino acid with dissimilar properties. This amino acid position is conserved. In addition, this alteration is predicted to be deleterious by in silico analysis. Based on the available evidence, the clinical significance of this variant remains unclear.

NM_002875.5(RAD51):c.149A>C (p.Glu50Ala)

Gene: RAD51 (RAD51 recombinase; plus strand). Cytogenetic location: 15q15.1.
Variant type: single nucleotide variant.
Coding change: c.149A>C on transcript NM_002875.5 (MANE Select); coding-DNA position 149, A replaced by C.
Protein change: p.Glu50Ala; replaces glutamic acid 50 with alanine.
Molecular consequence: missense variant.
Genome position (GRCh38, 1-based): chr15:40,701,125, A>C. VCF-style: chr15-40701125-A-C. GRCh37 (hg19) VCF-style: chr15-40993323-A-C.
Other names: c.149A>C, p.Glu50Ala (NM_001164269.2, NM_001164270.2, NM_133487.4); short protein forms E50A.
Identifiers: ClinVar variation 3312362 (VCV003312362.1).